The following is an entry in ClinVar:

ClinVar aggregate classification (germline): Uncertain significance (1 of 4 stars; one submission).

Allele frequency attached by ClinVar (database versions not stated): gnomAD exomes below 0.00001; TOPMed 0.00001.
gnomAD v4.1: 1 of 1,551,996 alleles (0.000064%); highest among the groups gnomAD compares: Admixed American, 0.002%; no homozygotes.

Submission:

Labcorp Genetics (formerly Invitae), Labcorp
Classification: Uncertain significance. Last evaluated: 2022-02-05. Review status: criteria provided, single submitter. Criteria: Invitae Variant Classification Sherloc (09022015). Collection method: clinical testing. Allele origin: germline.
Comment: This sequence change replaces glutamic acid, which is acidic and polar, with aspartic acid, which is acidic and polar, at codon 175 of the TRAF3IP1 protein (p.Glu175Asp). This variant is present in population databases (no rsID available, gnomAD 0.004%). This variant has not been reported in the literature in individuals affected with TRAF3IP1-related conditions. ClinVar contains an entry for this variant (Variation ID: 1040973). Algorithms developed to predict the effect of missense changes on protein structure and function output the following: SIFT: "Tolerated"; PolyPhen-2: "Benign"; Align-GVGD: "Class C0". The aspartic acid amino acid residue is found in multiple mammalian species, which suggests that this missense change does not adversely affect protein function. In summary, the available evidence is currently insufficient to determine the role of this variant in disease. Therefore, it has been classified as a Variant of Uncertain Significance.

NM_015650.4(TRAF3IP1):c.525G>C (p.Glu175Asp)

Gene: TRAF3IP1 (TRAF3 interacting protein 1; plus strand). Cytogenetic location: 2q37.3.
Variant type: single nucleotide variant.
Coding change: c.525G>C on transcript NM_015650.4 (MANE Select); coding-DNA position 525, G replaced by C.
Protein change: p.Glu175Asp; replaces glutamic acid 175 with aspartic acid.
Molecular consequence: missense variant.
Genome position (GRCh38, 1-based): chr2:238,328,952, G>C. VCF-style: chr2-238328952-G-C. GRCh37 (hg19) VCF-style: chr2-239237593-G-C.
Other names: c.525G>C, p.Glu175Asp (NM_001139490.1); short protein forms E175D.
Identifiers: ClinVar variation 1040973 (VCV001040973.6), dbSNP rs917530409, ClinGen allele CA67979936.